The following is an entry in ClinVar:

NM_014915.3(ANKRD26):c.388A>G (p.Thr130Ala)

Gene: ANKRD26 (ankyrin repeat domain containing 26; minus strand). Cytogenetic location: 10p12.1.
Variant type: single nucleotide variant.
Coding change: c.388A>G on transcript NM_014915.3 (MANE Select); coding-DNA position 388, A replaced by G.
Protein change: p.Thr130Ala; replaces threonine 130 with alanine.
Molecular consequence: missense variant.
Genome position (GRCh38, 1-based): chr10:27,093,492, T>C on the plus strand (A>G on the coding strand, the complement: ANKRD26 is on the minus strand). VCF-style: chr10-27093492-T-C. GRCh37 (hg19) VCF-style: chr10-27382421-T-C.
Other names: c.388A>G, p.Thr130Ala (NM_001256053.2); short protein forms T130A.
Identifiers: ClinVar variation 3913333 (VCV003913333.1).

ClinVar aggregate classification (germline): Uncertain significance (1 of 4 stars; one submission).

Conditions:
Inborn genetic diseases. Identifiers: MedGen C0950123, MeSH D030342.

gnomAD v4.1: 7 of 1,614,092 alleles (0.00043%); highest among the groups gnomAD compares: African/African-American, 0.004%; no homozygotes.

Submission:

Ambry Genetics
Classification: Uncertain significance for Inborn genetic diseases. Last evaluated: 2025-03-28. Review status: criteria provided, single submitter. Criteria: Ambry Variant Classification Scheme 2023. Collection method: clinical testing. Allele origin: germline.
Comment: The p.T130A variant (also known as c.388A>G), located in coding exon 3 of the ANKRD26 gene, results from an A to G substitution at nucleotide position 388. The threonine at codon 130 is replaced by alanine, an amino acid with similar properties. This amino acid position is conserved. In addition, this alteration is predicted to be tolerated by in silico analysis. Based on the available evidence, the clinical significance of this variant remains unclear.